The following is an entry in ClinVar:

NM_006516.4(SLC2A1):c.709G>A (p.Val237Met)

Gene: SLC2A1 (solute carrier family 2 member 1; minus strand). Cytogenetic location: 1p34.2.
Variant type: single nucleotide variant.
Coding change: c.709G>A on transcript NM_006516.4 (MANE Select); coding-DNA position 709, G replaced by A.
Protein change: p.Val237Met; replaces valine 237 with methionine.
Molecular consequence: missense variant.
Genome position (GRCh38, 1-based): chr1:42,929,751, C>T on the plus strand (G>A on the coding strand, the complement: SLC2A1 is on the minus strand). VCF-style: chr1-42929751-C-T. GRCh37 (hg19) VCF-style: chr1-43395422-C-T.
Other names: c.709G>A (NM_006516.2); short protein forms V237M.
Identifiers: ClinVar variation 2202743 (VCV002202743.5), dbSNP rs1387242348, ClinGen allele CA339958183.

ClinVar aggregate classification (germline): Conflicting classifications of pathogenicity. Review status: criteria provided, conflicting classifications (1 of 4 stars). 2 submissions from 2 submitters: Uncertain significance (1); Likely benign (1). Last evaluated 2025-03-17.

Conditions:
Inborn genetic diseases. Identifiers: MedGen C0950123, MeSH D030342.
GLUT1 deficiency syndrome 1, autosomal recessive. Identifiers: MedGen C3149117.

Allele frequency attached by ClinVar (database versions not stated): gnomAD exomes below 0.00001; gnomAD 0.00001.
gnomAD v4.1: 4 of 1,614,048 alleles (0.00025%); highest among the groups gnomAD compares: African/African-American, 0.0027%; no homozygotes.

Submissions (2):

Ambry Genetics
Classification: Likely benign for Inborn genetic diseases. Last evaluated: 2025-03-17. Review status: criteria provided, single submitter. Criteria: Ambry Variant Classification Scheme 2023. Collection method: clinical testing. Allele origin: germline.

Labcorp Genetics (formerly Invitae), Labcorp
Classification: Uncertain significance for GLUT1 deficiency syndrome 1, autosomal recessive. Last evaluated: 2024-06-10. Review status: criteria provided, single submitter. Criteria: Invitae Variant Classification Sherloc (09022015). Collection method: clinical testing. Allele origin: germline.
Comment: This sequence change replaces valine, which is neutral and non-polar, with methionine, which is neutral and non-polar, at codon 237 of the SLC2A1 protein (p.Val237Met). This variant is present in population databases (no rsID available, gnomAD 0.004%). This missense change has been observed in individual(s) with non-syndromic intellectual disability (PMID: 21937992). ClinVar contains an entry for this variant (Variation ID: 2202743). Advanced modeling of protein sequence and biophysical properties (such as structural, functional, and spatial information, amino acid conservation, physicochemical variation, residue mobility, and thermodynamic stability) performed at Invitae indicates that this missense variant is expected to disrupt SLC2A1 protein function with a positive predictive value of 95%. In summary, the available evidence is currently insufficient to determine the role of this variant in disease. Therefore, it has been classified as a Variant of Uncertain Significance.

Literature cited by the submitters: PubMed 21937992 (cited by Labcorp Genetics (formerly Invitae), Labcorp).